The following continues an entry in ClinVar:

NM_007294.4(BRCA1):c.5158A>G (p.Thr1720Ala)

Gene: BRCA1. ClinVar aggregate classification (germline): Benign. Benign (1).

Submissions 21 to 24 of 24:

Brotman Baty Institute, University of Washington
No classification provided (evidence only). Condition: Breast-ovarian cancer, familial 1. Review status: no classification provided. Collection method: in vitro. Allele origin: not applicable. Functional consequence: functionally_normal. Not counted in ClinVar's aggregate classification.
ClinVar note: "not provided" was previously submitted as the classification for the variant. However, the classification appeared to be based only on an observation of functional data so it was converted to no classification on 2025-07-30.

Clinical Genetics Laboratory, Department of Pathology, Netherlands Cancer Institute
Classification: Benign. Review status: no assertion criteria provided. Collection method: clinical testing. Allele origin: germline. Affected: yes. Study: VKGL Data-share Consensus. Not counted in ClinVar's aggregate classification.

Department of Pathology and Laboratory Medicine, Sinai Health System
Classification: Likely benign for Malignant tumor of breast. Review status: no assertion criteria provided. Collection method: clinical testing. Allele origin: unknown. Affected: yes. Study: The Canadian Open Genetics Repository (COGR). Not counted in ClinVar's aggregate classification.
Comment: The BRCA1 p.Thr1720Ala variant was identified in 5 of 1840 proband chromosomes (frequency: 0.003) from individuals or families with hereditary breast and ovarian cancer and was not identified in 192 control chromosomes from healthy individuals (Diez 2003, McKean-Cowdin 2005, Osorio 2002). The variant was identified in dbSNP (rs56195342) as â€šÃ„Ãºwith other alleleâ€šÃ„Ã¹, ClinVar (classified as benign by Invitae, Color, GeneDx, Ambryu Genetics and 3 other submitters, likely benign by Eurofins and Sinai Health System and uncertain significance by BIC and SCRP), LOVD 3.0 (observed 27x) and UMD-LSDB (observed 18x). The variant was identified in control databases in 48 of 282,388 chromosomes at a frequency of 0.0002 (Genome Aggregation Database Feb 27, 2017). The variant was observed in the following populations: Latino in 34 of 35,422 chromosomes (freq: 0.001), Other in 3 of 7200 chromosomes (freq: 0.0004), European in 10 of 129,006 chromosomes (freq: 0.00008), African in 1 of 24,958 chromosomes (freq: 0.00004), while the variant was not observed in the Ashkenazi Jewish, East Asian, Finnish and South Asian populations. In UMD-LSDB, the variant was observed in samples with co-occurring pathogenic BRCA1 (c.3481_3491del, p.Glu1161Phefs*3) and BRCA2 (c.5706_5712delins10, p.Asp1902Glufs*7 and c.1440_1441delCA, p.Ile481Serfs*32) variants. In multiple studies, the variant was demonstrated to have no effect on BRCA1 protein stability, binding, transactivation activity and response to cisplatin (Williams 2003, Phelan 2005, Carvalho 2007, Lee 2010, Bouwman 2013). The p.Thr1720 residue is not conserved in mammals and computational analyses (PolyPhen-2, SIFT, AlignGVGD, BLOSUM, MutationTaster) do not suggest a high likelihood of impact to the protein; however, this information is not predictive enough to rule out pathogenicity. The variant occurs outside of the splicing consensus sequence and in silico or computational prediction software programs (SpliceSiteFinder, MaxEntScan, NNSPLICE, GeneSplicer) do not predict a difference in splicing. In summary, based on the above information the clinical significance of this variant cannot be determined with certainty at this time although we would lean towards a more benign role for this variant. This variant is classified as likely benign.

Joint Genome Diagnostic Labs from Nijmegen and Maastricht, Radboudumc and MUMC+
Classification: Benign. Review status: no assertion criteria provided. Collection method: clinical testing. Allele origin: germline. Affected: yes. Study: VKGL Data-share Consensus. Not counted in ClinVar's aggregate classification.

Literature cited by the submitters: PubMed 21990134 (cited by Evidence-based Network for the Interpretation of Germline Mutant Alleles (ENIGMA)).